The following is an entry in ClinVar:

ClinVar aggregate classification (germline): Uncertain significance. Review status: criteria provided, multiple submitters, no conflicts (2 of 4 stars). 2 submissions from 2 submitters: Uncertain significance (2). Last evaluated 2025-10-02.

Conditions:
Wilson disease (WND). Also called: Wilson's disease. Identifiers: Orphanet 905, MedGen C0019202, MONDO:0010200, OMIM 277900. Disease mechanism: loss of function.

Submissions (2):

Color Diagnostics, LLC DBA Color Health
Classification: Uncertain significance for Wilson disease. Last evaluated: 2025-10-02. Review status: criteria provided, single submitter. Criteria: ACMG Guidelines, 2015. Collection method: clinical testing. Allele origin: germline.
Comment: This variant causes an A to G nucleotide substitution at the +3 position of intron 4 of the ATP7B gene. To our knowledge, RNA studies have not been reported for this variant. This variant has not been reported in individuals affected with Wilson disease in the literature. This variant has not been identified in the general population by the Genome Aggregation Database (gnomAD). The available evidence is insufficient to determine the role of this variant in disease conclusively. Therefore, this variant is classified as a Variant of Uncertain Significance.

All of Us Research Program, National Institutes of Health
Classification: Uncertain significance for Wilson disease. Last evaluated: 2023-05-16. Review status: criteria provided, single submitter. Criteria: ACMG Guidelines, 2015. Collection method: clinical testing. Allele origin: germline. Inheritance: Autosomal recessive inheritance. Observed: 2 variant alleles, 2 heterozygotes.
Comment: This variant causes an A to G nucleotide substitution at the +3 position of intron 4 of the ATP7B gene. To our knowledge, functional studies have not been reported for this variant. This variant has not been reported in individuals affected with Wilson disease in the literature. This variant has not been identified in the general population by the Genome Aggregation Database (gnomAD). The available evidence is insufficient to determine the role of this variant in disease conclusively. Therefore, this variant is classified as a Variant of Uncertain Significance.

This study involves interpretation of variants in research participants for the purpose of population health screening. Participant phenotype was not available at the time of variant classification. Additional details can be found in publication PMID: 35346344, PMCID: PMC8962531

NM_000053.4(ATP7B):c.1707+3A>G

Gene: ATP7B (ATPase copper transporting beta; minus strand). Cytogenetic location: 13q14.3.
Variant type: single nucleotide variant.
Coding change: c.1707+3A>G on transcript NM_000053.4 (MANE Select); 3 bases into the intron after coding-DNA position 1707, A replaced by G.
Molecular consequence: intron variant.
Genome position (GRCh38, 1-based): chr13:51,968,441, T>C on the plus strand (A>G on the coding strand, the complement: ATP7B is on the minus strand). VCF-style: chr13-51968441-T-C. GRCh37 (hg19) VCF-style: chr13-52542577-T-C.
Other names: c.1707+3A>G (NM_001406541.1, NM_001406531.1, NM_001406527.1 and 26 more transcripts); c.1611+3A>G (NM_001406543.1, NM_001406518.1, NM_001406544.1 and 3 more transcripts); c.1374+3A>G (NM_001243182.2); c.1285+5494A>G (NM_001406548.1); c.1674+3A>G (NM_001406524.1, NM_001406514.1); c.1278+3A>G (NM_001406539.1).
Identifiers: ClinVar variation 3069593 (VCV003069593.2), dbSNP rs2547777457, ClinGen allele CA2825002191.
Genomic context (GRCh38, chr13:51,968,441, plus strand): 5'-GGATGTGTCCAAAATGCAAACTGTCAGAAGCCTGTAACCCCGTAACGCACCCACAGTACT[T>C]ACTGTCAGCTCAATGTTGCCATCGGAGCCTGCGTAGTCCTCCATGACTGCTGCCTCAAAA-3'